The following is an entry in ClinVar:

NM_000545.8(HNF1A):c.64A>G (p.Ser22Gly)

Gene: HNF1A (HNF1 homeobox A; plus strand). Cytogenetic location: 12q24.31.
Variant type: single nucleotide variant.
Coding change: c.64A>G on transcript NM_000545.8 (MANE Select); coding-DNA position 64, A replaced by G.
Protein change: p.Ser22Gly; replaces serine 22 with glycine.
Molecular consequence: missense variant.
Genome position (GRCh38, 1-based): chr12:120,978,832, A>G. VCF-style: chr12-120978832-A-G. GRCh37 (hg19) VCF-style: chr12-121416635-A-G.
Other names: NM_001306179.2:c.64A>G; c.64A>G, p.Ser22Gly (NM_001306179.2, NM_001406915.1); short protein forms S22G.
Identifiers: ClinVar variation 3893280 (VCV003893280.1).

ClinVar aggregate classification (germline): Uncertain significance (3 of 4 stars; one submission).

Conditions:
Monogenic diabetes. Identifiers: Orphanet 183625, MedGen C3888631, MONDO:0015967.

Submission:

ClinGen Monogenic Diabetes Variant Curation Expert Panel
Classification: Uncertain significance for Monogenic diabetes. Last evaluated: 2025-04-22. Review status: reviewed by expert panel. Criteria: ClinGen Diabetes ACMG Specifications HNF1A V2.1.0. Collection method: curation. Allele origin: germline. Inheritance: Autosomal dominant inheritance.
Comment: The c.64A>G variant in the HNF1 homeobox A gene, HNF1A, causes an amino acid change of serine to glycine at codon 22 (p.(Ser22Gly)) of NM_000545.8. This variant is absent from gnomAD v2.1.1 and v4.1 (PM2_Supporting). This variant has a REVEL score of 0.598, which is between the ClinGen MDEP thresholds for BP4 and PP3, predicting neither a damaging nor benign impact on HNF1A function. This variant is located within a conserved region of the dimerization domain (codons 1-32) of HNF1A, which is defined as critical for protein function by the ClinGen MDEP (PM1_Supporting). This variant was identified in two unrelated individuals with non-autoimmune and non-absolute/near-absolute insulin-deficient diabetes; however, PS4_Moderate cannot be applied because this number is below the ClinGen MDEP threshold (Internal lab contributors). In summary, c.64A>G meets the criteria to be classified as a variant of uncertain significance for monogenic diabetes. ACMG/AMP criteria applied, as specified by the ClinGen MDEP (specification version 2.1.0, approved 08/11/2023): PP4_Moderate, PM1_Supporting, PM2_Supporting.